The following is an entry in ClinVar:

ClinVar aggregate classification (germline): Conflicting classifications of pathogenicity. Review status: criteria provided, conflicting classifications (1 of 4 stars). 2 submissions from 2 submitters: Pathogenic (1); Uncertain significance (1). Last evaluated 2025-03-01.

Conditions:
Alpha-1-antitrypsin deficiency (A1ATD). Also called: Alpha1-Antitrypsin Deficiency; AAT deficiency; A1AT deficiency. Identifiers: Orphanet 60, MedGen C0221757, MONDO:0013282, OMIM 613490.

Allele frequency attached by ClinVar (database versions not stated): gnomAD exomes below 0.00001.
gnomAD v4.1: 2 of 1,614,198 alleles (0.00012%); highest among the groups gnomAD compares: Non-Finnish European, 0.00017%; no homozygotes.

Submissions (2):

CeGaT Center for Human Genetics Tuebingen
Classification: Uncertain significance. Last evaluated: 2025-03-01. Review status: criteria provided, single submitter. Criteria: CeGaT Center For Human Genetics Tuebingen Variant Classification Criteria Version 2. Collection method: clinical testing. Allele origin: germline. Affected: yes. Observed: 1 variant allele.
Comment: SERPINA1: PM2

HerediLab, Inc.
Classification: Pathogenic for Alpha-1 Antitrypsin Deficiency. Last evaluated: 2018-04-19. Review status: criteria provided, single submitter. Criteria: HerediLab_Assertion_Criteria. Collection method: clinical testing, research. Allele origin: germline. Affected: yes. Observed: 2 variant alleles.

NM_000295.5(SERPINA1):c.833T>C (p.Leu278Pro)

Gene: SERPINA1 (serpin family A member 1; minus strand). Cytogenetic location: 14q32.13.
Variant type: single nucleotide variant.
Coding change: c.833T>C on transcript NM_000295.5 (MANE Select); coding-DNA position 833, T replaced by C.
Protein change: p.Leu278Pro; replaces leucine 278 with proline.
Molecular consequence: missense variant.
Genome position (GRCh38, 1-based): chr14:94,380,955, A>G on the plus strand (T>C on the coding strand, the complement: SERPINA1 is on the minus strand). VCF-style: chr14-94380955-A-G. GRCh37 (hg19) VCF-style: chr14-94847292-A-G.
Other names: c.833T>C, p.Leu278Pro (NM_001002235.3, NM_001002236.3, NM_001127700.2 and 7 more transcripts); short protein forms L278P.
Identifiers: ClinVar variation 626306 (VCV000626306.8), dbSNP rs1566753480, ClinGen allele CA390848480.